The following is an entry in ClinVar:

ClinVar aggregate classification (germline): Likely benign. Review status: criteria provided, multiple submitters, no conflicts (2 of 4 stars). 2 submissions from 2 submitters: Likely benign (2). Last evaluated 2024-06-04.

Conditions:
Progressive sclerosing poliodystrophy (MTDPS4A). Also called: ALPERS PROGRESSIVE INFANTILE POLIODYSTROPHY; NEURONAL DEGENERATION OF CHILDHOOD WITH LIVER DISEASE, PROGRESSIVE; Alpers-Huttenlocher Syndrome (AHS); Alpers Syndrome; Mitochondrial DNA Depletion Syndrome 4A; ALPERS DIFFUSE DEGENERATION OF CEREBRAL GRAY MATTER WITH HEPATIC CIRRHOSIS. Identifiers: Orphanet 726, MedGen C0205710, MONDO:0008758, OMIM 203700.

Allele frequency attached by ClinVar (database versions not stated): gnomAD exomes below 0.00001 and 0.00001; TOPMed below 0.00001.
gnomAD v4.1: 3 of 1,613,362 alleles (0.00019%); highest among the groups gnomAD compares: Admixed American, 0.0033%; no homozygotes.

Submissions (2):

Labcorp Genetics (formerly Invitae), Labcorp
Classification: Likely benign for Progressive sclerosing poliodystrophy. Last evaluated: 2024-06-04. Review status: criteria provided, single submitter. Criteria: Invitae Variant Classification Sherloc (09022015). Collection method: clinical testing. Allele origin: germline.

GeneDx
Classification: Likely benign. Last evaluated: 2016-04-29. Review status: criteria provided, single submitter. Criteria: GeneDx Variant Classification (06012015). Collection method: clinical testing. Allele origin: germline. Affected: yes.
Comment: This variant is considered likely benign or benign based on one or more of the following criteria: it is a conservative change, it occurs at a poorly conserved position in the protein, it is predicted to be benign by multiple in silico algorithms, and/or has population frequency not consistent with disease.

NM_002693.3(POLG):c.3483-17G>C

Gene: POLG (DNA polymerase gamma, catalytic subunit; minus strand). Cytogenetic location: 15q26.1.
Variant type: single nucleotide variant.
Coding change: c.3483-17G>C on transcript NM_002693.3 (MANE Select); 17 bases into the intron before coding-DNA position 3483, G replaced by C.
Molecular consequence: intron variant.
Genome position (GRCh38, 1-based): chr15:89,317,553, C>G on the plus strand (G>C on the coding strand, the complement: POLG is on the minus strand). VCF-style: chr15-89317553-C-G. GRCh37 (hg19) VCF-style: chr15-89860784-C-G.
Other names: c.3483-17G>C (NM_001126131.2).
Identifiers: ClinVar variation 385705 (VCV000385705.9), dbSNP rs1053731071, ClinGen allele CA16607050.